The following is an entry in ClinVar:

NM_053013.4(ENO3):c.-2-9G>C

Gene: ENO3 (enolase 3; plus strand). Cytogenetic location: 17p13.2.
Variant type: single nucleotide variant.
Coding change: c.-2-9G>C on transcript NM_053013.4 (MANE Select); 9 bases into the intron before 2 bases upstream of the start codon, G replaced by C.
Molecular consequence: intron variant.
Genome position (GRCh38, 1-based): chr17:4,951,819, G>C. VCF-style: chr17-4951819-G-C. GRCh37 (hg19) VCF-style: chr17-4855114-G-C.
Other names: c.-2-9G>C (NM_001976.5, NM_001193503.2).
Identifiers: ClinVar variation 390563 (VCV000390563.1), dbSNP rs1057523818, ClinGen allele CA16607350.
Genomic context (GRCh38, chr17:4,951,819, plus strand): 5'-AAGGGCAAGGGATTTCTGGTTCCTTAAGAGATCAACTGTCTACACTCACTCACACCTCCT[G>C]TCCTGCAGCCATGGCCATGCAGAAAATCTTTGCCCGGGAAATCTTGGACTCCAGGGGCAA-3'

ClinVar aggregate classification (germline): Likely benign (1 of 4 stars; one submission).

gnomAD v4.1: 1 of 1,613,958 alleles (0.000062%); highest among the groups gnomAD compares: Non-Finnish European, 0.000085%; no homozygotes.

Submission:

GeneDx
Classification: Likely benign. Last evaluated: 2016-11-04. Review status: criteria provided, single submitter. Criteria: GeneDx Variant Classification (06012015). Collection method: clinical testing. Allele origin: germline. Affected: yes.
Comment: This variant is considered likely benign or benign based on one or more of the following criteria: it is a conservative change, it occurs at a poorly conserved position in the protein, it is predicted to be benign by multiple in silico algorithms, and/or has population frequency not consistent with disease.